The following is an entry in ClinVar:

ClinVar aggregate classification (germline): Uncertain significance. Review status: criteria provided, multiple submitters, no conflicts (2 of 4 stars). 2 submissions from 2 submitters: Uncertain significance (2). Last evaluated 2026-08-11.

Conditions:
NFKB2-related disorder. Also called: NFKB2-related condition.
Immunodeficiency, common variable, 10. Also called: IMMUNODEFICIENCY, COMMON VARIABLE, WITH CENTRAL ADRENAL INSUFFICIENCY; DEFICIT IN ANTERIOR PITUITARY FUNCTION AND VARIABLE IMMUNODEFICIENCY. Identifiers: MedGen C3809991, MONDO:0014260, OMIM 615577.

Allele frequency attached by ClinVar (database versions not stated): gnomAD exomes 0.00001 and 0.00002; ExAC 0.00002.
gnomAD v4.1: 16 of 1,613,004 alleles (0.00099%); highest among the groups gnomAD compares: Admixed American, 0.005%; no homozygotes.

Submissions (2):

PreventionGenetics, part of Exact Sciences
Classification: Uncertain significance for NFKB2-related condition. Last evaluated: 2026-08-11. Review status: criteria provided, single submitter. Criteria: ACMG Guidelines, 2015. Collection method: clinical testing. Allele origin: germline.
Comment: The NFKB2 c.515G>A variant is predicted to result in the amino acid substitution p.Arg172Gln. To our knowledge, this variant has not been reported in the literature. This variant is reported in 0.0085% of alleles in individuals of Latino descent in gnomAD. At this time, the clinical significance of this variant is uncertain due to the absence of conclusive functional and genetic evidence.

Labcorp Genetics (formerly Invitae), Labcorp
Classification: Uncertain significance for Immunodeficiency, common variable, 10. Last evaluated: 2021-10-21. Review status: criteria provided, single submitter. Criteria: Invitae Variant Classification Sherloc (09022015). Collection method: clinical testing. Allele origin: germline.
Comment: In summary, the available evidence is currently insufficient to determine the role of this variant in disease. Therefore, it has been classified as a Variant of Uncertain Significance. Algorithms developed to predict the effect of missense changes on protein structure and function (SIFT, PolyPhen-2, Align-GVGD) all suggest that this variant is likely to be tolerated, but these predictions have not been confirmed by published functional studies and their clinical significance is uncertain. This variant has not been reported in the literature in individuals with NFKB2-related disease. This variant is present in population databases (rs779769505, ExAC 0.009%). This sequence change replaces arginine with glutamine at codon 172 of the NFKB2 protein (p.Arg172Gln). The arginine residue is highly conserved and there is a small physicochemical difference between arginine and glutamine.

NM_001322934.2(NFKB2):c.515G>A (p.Arg172Gln)

Gene: NFKB2 (nuclear factor kappa B subunit 2; plus strand). Cytogenetic location: 10q24.32.
Variant type: single nucleotide variant.
Coding change: c.515G>A on transcript NM_001322934.2 (MANE Select); coding-DNA position 515, G replaced by A.
Protein change: p.Arg172Gln; replaces arginine 172 with glutamine.
Molecular consequence: missense variant.
Genome position (GRCh38, 1-based): chr10:102,397,539, G>A. VCF-style: chr10-102397539-G-A. GRCh37 (hg19) VCF-style: chr10-104157296-G-A.
Other names: c.515G>A, p.Arg172Gln (NM_001077494.3, NM_001261403.3, NM_001288724.1 and 2 more transcripts); short protein forms R172Q.
Identifiers: ClinVar variation 1356624 (VCV001356624.7), dbSNP rs779769505, ClinGen allele CA5664589.